The following is an entry in ClinVar:

ClinVar aggregate classification (germline): Conflicting classifications of pathogenicity. Review status: criteria provided, conflicting classifications (1 of 4 stars). 6 submissions from 6 submitters: Uncertain significance (1); Likely benign (2). 3 of the submissions do not count toward it. Last evaluated 2026-01-30.

Conditions:
GPD1-related disorder. Also called: GPD1-related condition.

Allele frequency attached by ClinVar (database versions not stated): gnomAD exomes 0.00051 and 0.00074; gnomAD 0.00053 and 0.00064; ESP Exome Variant Server 0.00062; TOPMed 0.00069; ExAC 0.00076; 1000 Genomes Project 30x 0.00078; 1000 Genomes Project 0.00080.

Submissions (6):

GeneDx
Classification: Uncertain significance. Last evaluated: 2026-01-30. Review status: criteria provided, single submitter. Criteria: GeneDx Variant Classification Process June 2021. Collection method: clinical testing. Allele origin: germline. Affected: yes.
Comment: Has been reported in individuals with hypertriglyceridemia and Brugada syndrome (PMID: 22226083, 26220970); In silico analysis supports that this missense variant has a deleterious effect on protein structure/function; This variant is associated with the following publications: (PMID: 26220970, 22226083, 36325899)

Labcorp Genetics (formerly Invitae), Labcorp
Classification: Likely benign. Last evaluated: 2025-12-08. Review status: criteria provided, single submitter. Criteria: Invitae Variant Classification Sherloc (09022015). Collection method: clinical testing. Allele origin: germline.

Blueprint Genetics
Classification: Likely benign. Last evaluated: 2024-11-26. Review status: criteria provided, single submitter. Criteria: ACMG Guidelines, 2015. Collection method: clinical testing. Allele origin: germline.

PreventionGenetics, part of Exact Sciences
Classification: Uncertain significance for GPD1-related condition. Last evaluated: 2024-08-15. Review status: no assertion criteria provided. Collection method: clinical testing. Allele origin: germline. Not counted in ClinVar's aggregate classification.
Comment: The GPD1 c.590T>C variant is predicted to result in the amino acid substitution p.Val197Ala. This variant was reported in an individual with Brugada syndrome (Table S2 as 12:50500678T>C, Di Resta et al. 2015. PubMed ID: 26220970) and in an individual with hypertriglyceridemia (Table S2, Deshotels et al. 2022. PubMed ID: 36325899). This variant is reported in 0.23% of alleles in individuals of Ashkenazi Jewish descent in gnomAD. Although we suspect that this variant may be benign, at this time, the clinical significance of this variant is uncertain due to the absence of conclusive functional and genetic evidence.

Clinical Genetics DNA and cytogenetics Diagnostics Lab, Erasmus MC, Erasmus Medical Center
Classification: Uncertain significance. Review status: no assertion criteria provided. Collection method: clinical testing. Allele origin: germline. Affected: yes. Study: VKGL Data-share Consensus. Not counted in ClinVar's aggregate classification.

Clinical Genetics, Academic Medical Center
Classification: Uncertain significance. Review status: no assertion criteria provided. Collection method: clinical testing. Allele origin: germline. Affected: yes. Study: VKGL Data-share Consensus. Not counted in ClinVar's aggregate classification.

NM_005276.4(GPD1):c.590T>C (p.Val197Ala)

Gene: GPD1 (glycerol-3-phosphate dehydrogenase 1; plus strand). Cytogenetic location: 12q13.12.
Variant type: single nucleotide variant.
Coding change: c.590T>C on transcript NM_005276.4 (MANE Select); coding-DNA position 590, T replaced by C.
Protein change: p.Val197Ala; replaces valine 197 with alanine.
Molecular consequence: missense variant.
Genome position (GRCh38, 1-based): chr12:50,106,895, T>C. VCF-style: chr12-50106895-T-C. GRCh37 (hg19) VCF-style: chr12-50500678-T-C.
Other names: c.521T>C, p.Val174Ala (NM_001257199.2); short protein forms V174A, V197A.
Identifiers: ClinVar variation 1183227 (VCV001183227.16), dbSNP rs2232207, ClinGen allele CA6561644.